The following is an entry in ClinVar:

ClinVar aggregate classification (germline): Uncertain significance (1 of 4 stars; one submission).

Allele frequency attached by ClinVar (database versions not stated): TOPMed 0.00002; gnomAD 0.00002.
gnomAD v4.1: 34 of 935,459 alleles (0.0036%); highest among the groups gnomAD compares: Non-Finnish European, 0.0038%; no homozygotes.

Submission:

GeneDx
Classification: Uncertain significance. Last evaluated: 2017-07-20. Review status: criteria provided, single submitter. Criteria: GeneDx Variant Classification (06012015). Collection method: clinical testing. Allele origin: germline. Affected: yes.
Comment: A variant of uncertain significance has been identified in the FLNA gene. The c.-116-3 C>A variant has not been published as a pathogenic variant, nor has it been reported as a benign variant to our knowledge. In silico splice prediction programs predict c.-116-3 C>A causes a loss of the natural splice acceptor site of intron 1. In addition, multiple downstream splice site variants in the FLNA gene have been reported in the Human Gene Mutation Database in association with periventricular heterotopia (Stenson et al., 2014). However, this variant occurs within an untranslated region prior to the initiation codon in exon 2, where protein translation begins. Therefore, it is unclear whether this variant will significantly impact gene splicing or lead to an abnormal protein. In the absence of functional mRNA studies, the physiological consequence of this variant cannot be precisely determined. Therefore, based on the currently available information, it is unclear whether this variant is pathogenic or benign.

NM_001110556.2(FLNA):c.-116-3C>A

Gene: FLNA (filamin A; minus strand). Cytogenetic location: Xq28.
Variant type: single nucleotide variant.
Coding change: c.-116-3C>A on transcript NM_001110556.2 (MANE Select); 3 bases into the intron before 116 bases upstream of the start codon, C replaced by A.
Molecular consequence: intron variant.
Genome position (GRCh38, 1-based): chrX:154,371,364, G>T on the plus strand (C>A on the coding strand, the complement: FLNA is on the minus strand). VCF-style: chrX-154371364-G-T. GRCh37 (hg19) VCF-style: chrX-153599732-G-T.
Identifiers: ClinVar variation 213488 (VCV000213488.2), dbSNP rs863223627, ClinGen allele CA321383.